The following is an entry in ClinVar:

NM_001113378.2(FANCI):c.2623T>C (p.Cys875Arg)

Gene: FANCI (FA complementation group I; plus strand). Cytogenetic location: 15q26.1.
Variant type: single nucleotide variant.
Coding change: c.2623T>C on transcript NM_001113378.2 (MANE Select); coding-DNA position 2623, T replaced by C.
Protein change: p.Cys875Arg; replaces cysteine 875 with arginine.
Molecular consequence: missense variant. On other transcripts: intron variant (1).
Genome position (GRCh38, 1-based): chr15:89,295,081, T>C. VCF-style: chr15-89295081-T-C. GRCh37 (hg19) VCF-style: chr15-89838312-T-C.
Other names: c.2344T>C, p.Cys782Arg (NM_001376910.1); c.2623T>C, p.Cys875Arg (NM_001376911.1); c.2456+1084T>C (NM_018193.3); short protein forms C875R, C782R.
Identifiers: ClinVar variation 1414454 (VCV001414454.3), dbSNP rs1309949902, ClinGen allele CA393751144.

ClinVar aggregate classification (germline): Uncertain significance (1 of 4 stars; one submission).

Conditions:
Fanconi anemia (FA). Also called: Fanconi's anemia. Identifiers: Orphanet 84, MedGen C0015625, MeSH D005199, MONDO:0019391.

Allele frequency attached by ClinVar (database versions not stated): gnomAD exomes 0.00001.
gnomAD v4.1: 7 of 1,551,774 alleles (0.00045%); highest among the groups gnomAD compares: Non-Finnish European, 0.00061%; no homozygotes.

Submission:

Labcorp Genetics (formerly Invitae), Labcorp
Classification: Uncertain significance for Fanconi anemia. Last evaluated: 2021-10-28. Review status: criteria provided, single submitter. Criteria: Invitae Variant Classification Sherloc (09022015). Collection method: clinical testing. Allele origin: germline.
Comment: This sequence change replaces cysteine, which is neutral and slightly polar, with arginine, which is basic and polar, at codon 875 of the FANCI protein (p.Cys875Arg). The frequency data for this variant in the population databases is considered unreliable, as metrics indicate poor data quality at this position in the gnomAD database. This variant has not been reported in the literature in individuals affected with FANCI-related conditions. Algorithms developed to predict the effect of missense changes on protein structure and function are either unavailable or do not agree on the potential impact of this missense change (SIFT: "Deleterious"; PolyPhen-2: "Possibly Damaging"; Align-GVGD: "Class C0"). In summary, the available evidence is currently insufficient to determine the role of this variant in disease. Therefore, it has been classified as a Variant of Uncertain Significance.